The following is an entry in ClinVar:

NM_001160148.2(DDHD1):c.2521+187T>C

Gene: DDHD1 (DDHD domain containing 1; minus strand). Cytogenetic location: 14q22.1.
Variant type: single nucleotide variant.
Coding change: c.2521+187T>C on transcript NM_001160148.2 (MANE Select); 187 bases into the intron after coding-DNA position 2521, T replaced by C.
Molecular consequence: intron variant.
Genome position (GRCh38, 1-based): chr14:53,051,657, A>G on the plus strand (T>C on the coding strand, the complement: DDHD1 is on the minus strand). VCF-style: chr14-53051657-A-G. GRCh37 (hg19) VCF-style: chr14-53518375-A-G.
Other names: c.2437+2781T>C (NM_030637.3); c.2458+2781T>C (NM_001160147.2).
Identifiers: ClinVar variation 672495 (VCV000672495.1), dbSNP rs145164459, ClinGen allele CA261013549.

ClinVar aggregate classification (germline): Likely benign (1 of 4 stars; one submission).

Allele frequency attached by ClinVar (database versions not stated): 1000 Genomes Project 30x 0.01312; 1000 Genomes Project 0.01338; gnomAD 0.01628 and 0.01636; TOPMed 0.01730.

Submission:

GeneDx
Classification: Likely benign. Last evaluated: 2018-06-14. Review status: criteria provided, single submitter. Criteria: GeneDx Variant Classification (06012015). Collection method: clinical testing. Allele origin: germline. Affected: yes.
Comment: This variant is considered likely benign or benign based on one or more of the following criteria: it is a conservative change, it occurs at a poorly conserved position in the protein, it is predicted to be benign by multiple in silico algorithms, and/or has population frequency not consistent with disease.